The following is an entry in ClinVar:

NM_005188.4(CBL):c.*3154C>T

Gene: CBL (Cbl proto-oncogene; plus strand). Cytogenetic location: 11q23.3.
Variant type: single nucleotide variant.
Coding change: c.*3154C>T on transcript NM_005188.4 (MANE Select); 3154 bases downstream of the stop codon, C replaced by T.
Molecular consequence: 3 prime UTR variant.
Genome position (GRCh38, 1-based): chr11:119,302,935, C>T. VCF-style: chr11-119302935-C-T. GRCh37 (hg19) VCF-style: chr11-119173645-C-T.
Identifiers: ClinVar variation 302831 (VCV000302831.30), dbSNP rs112984401, ClinGen allele CA10633652.

ClinVar aggregate classification (germline): Benign/Likely benign. Review status: criteria provided, multiple submitters, no conflicts (2 of 4 stars). 3 submissions from 3 submitters: Benign (2); Likely benign (1). Last evaluated 2023-02-01.

Conditions:
CBL-related disorder. Also called: NOONAN SYNDROME-LIKE DISORDER WITHOUT JUVENILE MYELOMONOCYTIC LEUKEMIA; CBL MUTATION-ASSOCIATED SYNDROME; CBL SYNDROME. Identifiers: Orphanet 363972, MedGen C3150803, MONDO:0013308, OMIM 613563.

Allele frequency attached by ClinVar (database versions not stated): gnomAD 0.00073 and 0.00075; 1000 Genomes Project 30x 0.00078; 1000 Genomes Project 0.00080; gnomAD exomes 0.00080; TOPMed 0.00095.
gnomAD v4.1: 177 of 229,606 alleles (0.077%); highest among the groups gnomAD compares: Middle Eastern, 0.26%; no homozygotes.

Submissions (3):

CeGaT Center for Human Genetics Tuebingen
Classification: Likely benign. Last evaluated: 2023-02-01. Review status: criteria provided, single submitter. Criteria: CeGaT Center For Human Genetics Tuebingen Variant Classification Criteria Version 2. Collection method: clinical testing. Allele origin: germline. Affected: yes. Observed: 1 variant allele.
Comment: CBL: BS1

Illumina Laboratory Services, Illumina
Classification: Benign for CBL-related disorder. Last evaluated: 2018-01-13. Review status: criteria provided, single submitter. Criteria: ICSL Variant Classification Criteria 13 December 2019. Collection method: clinical testing. Allele origin: germline.
Comment: This variant was observed in the ICSL laboratory as part of a predisposition screen in an ostensibly healthy population. It had not been previously curated by ICSL or reported in the Human Gene Mutation Database (HGMD: prior to June 1st, 2018), and was therefore a candidate for classification through an automated scoring system. Utilizing variant allele frequency, disease prevalence and penetrance estimates, and inheritance mode, an automated score was calculated to assess if this variant is too frequent to cause the disease. Based on the score and internal cut-off values, a variant classified as benign is not then subjected to further curation. The score for this variant resulted in a classification of benign for this disease.

Breakthrough Genomics
Classification: Benign. Review status: criteria provided, single submitter. Criteria: ACMG Guidelines, 2015. Collection method: not provided. Allele origin: germline. Inheritance: Autosomal dominant inheritance. Affected: yes.